The following is an entry in ClinVar:

NM_001127464.1:c.10372C>G

Gene: ZNF469 (zinc finger protein 469; plus strand).
Variant type: single nucleotide variant.
Identifiers: ClinVar variation 4832786 (VCV004832786.1).

ClinVar aggregate classification (germline): Uncertain significance (1 of 4 stars; one submission).

Conditions:
Cardiovascular phenotype. Identifiers: MedGen CN230736.

Submission:

Ambry Genetics
Classification: Uncertain significance for Cardiovascular phenotype. Last evaluated: 2026-02-17. Review status: criteria provided, single submitter. Criteria: Ambry Variant Classification Scheme 2023. Collection method: clinical testing. Allele origin: germline.
Comment: The c.10372C>G (p.P3458A) alteration is located in exon 2 (coding exon 2) of the ZNF469 gene. This alteration results from a C to G substitution at nucleotide position 10372, causing the proline (P) at amino acid position 3458 to be replaced by an alanine (A). Based on data from gnomAD, the G allele has an overall frequency of 0.001% (1/142390) total alleles studied. The highest observed frequency was 0.002% (1/53096) of European (non-Finnish) alleles. Based on insufficient or conflicting evidence, the clinical significance of this alteration remains unclear.